The following is an entry in ClinVar:

NM_001386298.1(CIC):c.793G>A (p.Val265Met)

Gene: CIC (capicua transcriptional repressor; plus strand). Cytogenetic location: 19q13.2.
Variant type: single nucleotide variant.
Coding change: c.793G>A on transcript NM_001386298.1 (MANE Select); coding-DNA position 793, G replaced by A.
Protein change: p.Val265Met; replaces valine 265 with methionine.
Molecular consequence: missense variant.
Genome position (GRCh38, 1-based): chr19:42,272,576, G>A. VCF-style: chr19-42272576-G-A. GRCh37 (hg19) VCF-style: chr19-42776728-G-A.
Other names: c.793G>A, p.Val265Met (NM_001304815.2, NM_001379480.1, NM_001379482.1 and 1 more transcripts); short protein forms V265M.
Identifiers: ClinVar variation 1804939 (VCV001804939.1), dbSNP rs1449982993, ClinGen allele CA406083215.
Genomic context (GRCh38, chr19:42,272,576, plus strand): 5'-GGGGTGCCAGGCGCTGGTGTGGATGTAGTTTTGGATGCCACACCCCCACCAGGTGCCCTG[G>A]TGGTGGGCACAGCTGTCTGTACCTGTGTGGAGCCCGGCGTGGCTGCCTACCGGGAAGGTG-3'
Protein context (NP_001373227.1, residues 255-275): LDATPPPGAL[Val265Met]VGTAVCTCVE

ClinVar aggregate classification (germline): Uncertain significance (1 of 4 stars; one submission).

Conditions:
Intellectual developmental disorder, autosomal dominant 45. Also called: MENTAL RETARDATION, AUTOSOMAL DOMINANT 45; Intellectual disability, autosomal dominant 45. Identifiers: MedGen C4539848, MONDO:0030910, OMIM 617600.

Allele frequency attached by ClinVar (database versions not stated): TOPMed 0.00002; gnomAD exomes 0.00004; gnomAD 0.00005.
gnomAD v4.1: 17 of 398,550 alleles (0.0043%); highest among the groups gnomAD compares: South Asian, 0.064%; no homozygotes.

Submission:

Victorian Clinical Genetics Services, Murdoch Childrens Research Institute
Classification: Uncertain significance for Intellectual developmental disorder, autosomal dominant 45. Last evaluated: 2019-08-28. Review status: criteria provided, single submitter. Criteria: ACMG Guidelines, 2015. Collection method: clinical testing. Allele origin: germline. Inheritance: Autosomal dominant inheritance. Affected: yes.
Comment: A heterozygous missense variant, NM_001304815.1(CIC):c.793G>A, has been identified in exon 2 of 21 of the CIC gene (NB: This variant is non-coding in alternative transcripts). The variant is predicted to result in a minor amino acid change from valine to methionine at position 265 of the protein (NP_001291744.1(CIC):p.(Val265Met)). The valine at this position has low conservation (100 vertebrates, UCSC), and is located within the DUF4819 functional domain. In silico predictions for this variant are consistently benign (Polyphen, SIFT, CADD, Mutation Taster). The variant is absent in population databases (gnomAD, 1000G). This variant has not been previously reported in clinical cases. Based on the information available at the time of curation, this variant has been classified as VARIANT of UNCERTAIN SIGNIFICANCE (VUS) with LOW CLINICAL RELEVANCE.